The following is an entry in ClinVar:

ClinVar aggregate classification (germline): Uncertain significance (1 of 4 stars; one submission).

Conditions:
Familial sleep-related hypermotor epilepsy. Also called: Autosomal Dominant Sleep-Related Hypermotor (Hyperkinetic) Epilepsy. Identifiers: Orphanet 98784, MedGen C3696898, MONDO:0000030.

Submission:

Labcorp Genetics (formerly Invitae), Labcorp
Classification: Uncertain significance. Last evaluated: 2023-05-20. Review status: criteria provided, single submitter. Criteria: Invitae Variant Classification Sherloc (09022015). Collection method: clinical testing. Allele origin: germline.
Comment: In summary, the available evidence is currently insufficient to determine the role of this variant in disease. Therefore, it has been classified as a Variant of Uncertain Significance. Advanced modeling of protein sequence and biophysical properties (such as structural, functional, and spatial information, amino acid conservation, physicochemical variation, residue mobility, and thermodynamic stability) performed at Invitae indicates that this missense variant is expected to disrupt CHRNA4 protein function. ClinVar contains an entry for this variant (Variation ID: 2008609). This variant has not been reported in the literature in individuals affected with CHRNA4-related conditions. This variant is not present in population databases (gnomAD no frequency). This sequence change replaces leucine, which is neutral and non-polar, with phenylalanine, which is neutral and non-polar, at codon 291 of the CHRNA4 protein (p.Leu291Phe).

NM_000744.7(CHRNA4):c.871C>T (p.Leu291Phe)

Gene: CHRNA4 (cholinergic receptor nicotinic alpha 4 subunit; minus strand). Cytogenetic location: 20q13.33.
Variant type: single nucleotide variant.
Coding change: c.871C>T on transcript NM_000744.7 (MANE Select); coding-DNA position 871, C replaced by T.
Protein change: p.Leu291Phe; replaces leucine 291 with phenylalanine.
Molecular consequence: missense variant. On other transcripts: non-coding transcript variant (1).
Genome position (GRCh38, 1-based): chr20:63,350,540, G>A on the plus strand (C>T on the coding strand, the complement: CHRNA4 is on the minus strand). VCF-style: chr20-63350540-G-A. GRCh37 (hg19) VCF-style: chr20-61981892-G-A.
Other names: c.343C>T, p.Leu115Phe (NM_001256573.2); short protein forms L115F, L291F.
Identifiers: ClinVar variation 2008609 (VCV002008609.4), dbSNP rs2516541523, ClinGen allele CA409636418.